The following is an entry in ClinVar:

ClinVar aggregate classification (germline): Conflicting classifications of pathogenicity. Review status: criteria provided, conflicting classifications (1 of 4 stars). 2 submissions from 2 submitters: Uncertain significance (1); Likely benign (1). Last evaluated 2025-12-29.

Conditions:
Dyskeratosis congenita, autosomal dominant 6 (DKCA6). Identifiers: Orphanet 3322, MedGen C4225284, MONDO:0014690, OMIM 616553.
Inborn genetic diseases. Identifiers: MedGen C0950123, MeSH D030342.

Allele frequency attached by ClinVar (database versions not stated): ExAC 0.00003; TOPMed 0.00008.

Submissions (2):

Labcorp Genetics (formerly Invitae), Labcorp
Classification: Uncertain significance for Dyskeratosis congenita, autosomal dominant 6. Last evaluated: 2025-12-29. Review status: criteria provided, single submitter. Criteria: Invitae Variant Classification Sherloc (09022015). Collection method: clinical testing. Allele origin: germline.
Comment: This sequence change replaces arginine, which is basic and polar, with serine, which is neutral and polar, at codon 92 of the ACD protein (p.Arg92Ser). This variant is present in population databases (rs779383442, gnomAD 0.008%). This variant has not been reported in the literature in individuals affected with ACD-related conditions. ClinVar contains an entry for this variant (Variation ID: 1036684). An algorithm developed to predict the effect of missense changes on protein structure and function outputs the following: PolyPhen-2: "Benign". The serine amino acid residue is found in multiple mammalian species, which suggests that this missense change does not adversely affect protein function. In summary, the available evidence is currently insufficient to determine the role of this variant in disease. Therefore, it has been classified as a Variant of Uncertain Significance.

Ambry Genetics
Classification: Likely benign for Inborn genetic diseases. Last evaluated: 2025-11-26. Review status: criteria provided, single submitter. Criteria: Ambry Variant Classification Scheme 2023. Collection method: clinical testing. Allele origin: germline.

NM_001082486.2(ACD):c.18G>T (p.Arg6Ser)

Gene: ACD (ACD shelterin complex subunit and telomerase recruitment factor; minus strand). Cytogenetic location: 16q22.1.
Variant type: single nucleotide variant.
Coding change: c.18G>T on transcript NM_001082486.2 (MANE Select); coding-DNA position 18, G replaced by T.
Protein change: p.Arg6Ser; replaces arginine 6 with serine.
Molecular consequence: missense variant.
Genome position (GRCh38, 1-based): chr16:67,660,203, C>A on the plus strand (G>T on the coding strand, the complement: ACD is on the minus strand). VCF-style: chr16-67660203-C-A. GRCh37 (hg19) VCF-style: chr16-67694106-C-A.
Other names: c.18G>T, p.Arg6Ser (NM_022914.3); short protein forms R6S.
Identifiers: ClinVar variation 1036684 (VCV001036684.11), dbSNP rs779383442, ClinGen allele CA8114848.